The following is an entry in ClinVar:

ClinVar aggregate classification (germline): Likely pathogenic (1 of 4 stars; one submission).

Submission:

Labcorp Genetics (formerly Invitae), Labcorp
Classification: Likely pathogenic. Last evaluated: 2023-08-22. Review status: criteria provided, single submitter. Criteria: Invitae Variant Classification Sherloc (09022015). Collection method: clinical testing. Allele origin: germline.
Comment: In summary, the currently available evidence indicates that the variant is pathogenic, but additional data are needed to prove that conclusively. Therefore, this variant has been classified as Likely Pathogenic. Algorithms developed to predict the effect of sequence changes on RNA splicing suggest that this variant may disrupt the consensus splice site. This variant has not been reported in the literature in individuals affected with NBAS-related conditions. This variant is not present in population databases (gnomAD no frequency). This sequence change affects a donor splice site in intron 41 of the NBAS gene. It is expected to disrupt RNA splicing. Variants that disrupt the donor or acceptor splice site typically lead to a loss of protein function (PMID: 16199547), and loss-of-function variants in NBAS are known to be pathogenic (PMID: 26073778, 26541327, 27789416, 28031453).

Literature cited by the submitters: PubMed 16199547; PubMed 26073778; PubMed 26541327; PubMed 27789416; PubMed 28031453.

NM_015909.4(NBAS):c.5027+1G>C

Gene: NBAS (NBAS subunit of NRZ tethering complex; minus strand). Cytogenetic location: 2p24.3.
Variant type: single nucleotide variant.
Coding change: c.5027+1G>C on transcript NM_015909.4 (MANE Select); the canonical splice donor site of the intron after coding-DNA position 5027, G replaced by C.
Molecular consequence: splice donor variant.
Genome position (GRCh38, 1-based): chr2:15,292,536, C>G on the plus strand (G>C on the coding strand, the complement: NBAS is on the minus strand). VCF-style: chr2-15292536-C-G. GRCh37 (hg19) VCF-style: chr2-15432660-C-G.
Identifiers: ClinVar variation 2859861 (VCV002859861.3), dbSNP rs1670352190, ClinGen allele CA345888544.